The following is an entry in ClinVar:

NM_001256071.3(RNF213):c.5600C>T (p.Pro1867Leu)

Gene: RNF213 (ring finger protein 213; plus strand). Cytogenetic location: 17q25.3.
Variant type: single nucleotide variant.
Coding change: c.5600C>T on transcript NM_001256071.3 (MANE Select); coding-DNA position 5600, C replaced by T.
Protein change: p.Pro1867Leu; replaces proline 1867 with leucine.
Molecular consequence: missense variant.
Genome position (GRCh38, 1-based): chr17:80,339,967, C>T. VCF-style: chr17-80339967-C-T. GRCh37 (hg19) VCF-style: chr17-78313767-C-T.
Other names: c.5747C>T, p.Pro1916Leu (NM_001410195.1, NM_020914.5); short protein forms P1867L, P1916L.
Identifiers: ClinVar variation 1978872 (VCV001978872.4), dbSNP rs775867186, ClinGen allele CA8820345.

ClinVar aggregate classification (germline): Uncertain significance (1 of 4 stars; one submission).

Allele frequency attached by ClinVar (database versions not stated): gnomAD exomes 0.00001; TOPMed 0.00002; gnomAD 0.00005.
gnomAD v4.1: 27 of 1,537,032 alleles (0.0018%); highest among the groups gnomAD compares: East Asian, 0.022%; no homozygotes.

Submission:

Labcorp Genetics (formerly Invitae), Labcorp
Classification: Uncertain significance. Last evaluated: 2022-09-15. Review status: criteria provided, single submitter. Criteria: Invitae Variant Classification Sherloc (09022015). Collection method: clinical testing. Allele origin: germline.
Comment: This sequence change replaces proline, which is neutral and non-polar, with leucine, which is neutral and non-polar, at codon 1867 of the RNF213 protein (p.Pro1867Leu). This variant is present in population databases (rs775867186, gnomAD 0.01%). This variant has not been reported in the literature in individuals affected with RNF213-related conditions. Algorithms developed to predict the effect of missense changes on protein structure and function are either unavailable or do not agree on the potential impact of this missense change (SIFT: "Deleterious"; PolyPhen-2: "Probably Damaging"; Align-GVGD: "Class C0"). In summary, the available evidence is currently insufficient to determine the role of this variant in disease. Therefore, it has been classified as a Variant of Uncertain Significance.